The following is an entry in ClinVar:

ClinVar aggregate classification (germline): Uncertain significance. Review status: criteria provided, multiple submitters, no conflicts (2 of 4 stars). 2 submissions from 2 submitters: Uncertain significance (2). Last evaluated 2024-11-21.

Allele frequency attached by ClinVar (database versions not stated): TOPMed 0.00003; gnomAD exomes 0.00007 and 0.00010; gnomAD 0.00008 and 0.00009; ExAC 0.00015; 1000 Genomes Project 30x 0.00016; 1000 Genomes Project 0.00020.
gnomAD v4.1: 112 of 1,614,070 alleles (0.0069%); highest among the groups gnomAD compares: Non-Finnish European, 0.0048%; no homozygotes.

Submissions (2):

Blueprint Genetics
Classification: Uncertain significance. Last evaluated: 2024-11-21. Review status: criteria provided, single submitter. Criteria: ACMG Guidelines, 2015. Collection method: clinical testing. Allele origin: germline.

Labcorp Genetics (formerly Invitae), Labcorp
Classification: Uncertain significance. Last evaluated: 2022-10-13. Review status: criteria provided, single submitter. Criteria: Invitae Variant Classification Sherloc (09022015). Collection method: clinical testing. Allele origin: germline.
Comment: In summary, the available evidence is currently insufficient to determine the role of this variant in disease. Therefore, it has been classified as a Variant of Uncertain Significance. Advanced modeling of protein sequence and biophysical properties (such as structural, functional, and spatial information, amino acid conservation, physicochemical variation, residue mobility, and thermodynamic stability) performed at Invitae indicates that this missense variant is not expected to disrupt CDH3 protein function. ClinVar contains an entry for this variant (Variation ID: 961918). This variant has not been reported in the literature in individuals affected with CDH3-related conditions. This variant is present in population databases (rs149493245, gnomAD 0.06%). This sequence change replaces threonine, which is neutral and polar, with methionine, which is neutral and non-polar, at codon 568 of the CDH3 protein (p.Thr568Met).

NM_001793.6(CDH3):c.1703C>T (p.Thr568Met)

Gene: CDH3 (cadherin 3; plus strand). Cytogenetic location: 16q22.1.
Variant type: single nucleotide variant.
Coding change: c.1703C>T on transcript NM_001793.6 (MANE Select); coding-DNA position 1703, C replaced by T.
Protein change: p.Thr568Met; replaces threonine 568 with methionine.
Molecular consequence: missense variant.
Genome position (GRCh38, 1-based): chr16:68,687,644, C>T. VCF-style: chr16-68687644-C-T. GRCh37 (hg19) VCF-style: chr16-68721547-C-T.
Other names: c.1703C>T, p.Thr568Met (NM_001317195.3); c.1538C>T, p.Thr513Met (NM_001317196.2); short protein forms T513M, T568M.
Identifiers: ClinVar variation 961918 (VCV000961918.9), dbSNP rs149493245, ClinGen allele CA8129448.